The following is an entry in ClinVar:

NM_006172.4(NPPA):c.123+5G>A

Genes: NPPA (natriuretic peptide A; minus strand), NPPA-AS1 (NPPA antisense RNA 1; plus strand), LOC114827827 (VISTA enhancer hs2123; plus strand). Cytogenetic location: 1p36.22.
Variant type: single nucleotide variant.
Coding change: c.123+5G>A on transcript NM_006172.4 (MANE Select); 5 bases into the intron after coding-DNA position 123, G replaced by A.
Molecular consequence: intron variant. On other transcripts: non-coding transcript variant (1).
Genome position (GRCh38, 1-based): chr1:11,847,557, C>T on the plus strand (G>A on the coding strand, the complement: NPPA is on the minus strand). VCF-style: chr1-11847557-C-T. GRCh37 (hg19) VCF-style: chr1-11907614-C-T.
Identifiers: ClinVar variation 3624666 (VCV003624666.2).

ClinVar aggregate classification (germline): Uncertain significance (1 of 4 stars; one submission).

Conditions:
Atrial fibrillation, familial, 6 (ATFB6). Identifiers: MedGen C2677294, MONDO:0012816, OMIM 612201.

Submission:

Labcorp Genetics (formerly Invitae), Labcorp
Classification: Uncertain significance for Atrial fibrillation, familial, 6. Last evaluated: 2024-07-19. Review status: criteria provided, single submitter. Criteria: Invitae Variant Classification Sherloc (09022015). Collection method: clinical testing. Allele origin: germline.
Comment: This sequence change falls in intron 1 of the NPPA gene. It does not directly change the encoded amino acid sequence of the NPPA protein. It affects a nucleotide within the consensus splice site. This variant is not present in population databases (gnomAD no frequency). This variant has not been reported in the literature in individuals affected with NPPA-related conditions. Variants that disrupt the consensus splice site are a relatively common cause of aberrant splicing (PMID: 17576681, 9536098). Algorithms developed to predict the effect of sequence changes on RNA splicing suggest that this variant may disrupt the consensus splice site. In summary, the available evidence is currently insufficient to determine the role of this variant in disease. Therefore, it has been classified as a Variant of Uncertain Significance.

Literature cited by the submitters: PubMed 17576681; PubMed 9536098.